The following is an entry in ClinVar:

ClinVar aggregate classification (germline): Pathogenic (1 of 4 stars; one submission).

Submission:

GeneDx
Classification: Pathogenic. Last evaluated: 2022-08-04. Review status: criteria provided, single submitter. Criteria: GeneDx Variant Classification Process June 2021. Collection method: clinical testing. Allele origin: germline. Affected: yes.
Comment: Published functional studies demonstrate a damaging effect: increased binding with cyclase-associated protein, reduced co-polymerization, and abnormal localization (Costa et al., 2004); Not observed at significant frequency in large population cohorts (gnomAD); Missense variants in this gene are often considered pathogenic (HGMD); This variant is associated with the following publications: (PMID: 10508519, 15226407, 12921789)

NM_001100.4(ACTA1):c.551G>A (p.Gly184Asp)

Gene: ACTA1 (actin alpha 1, skeletal muscle; minus strand). Cytogenetic location: 1q42.13.
Variant type: single nucleotide variant.
Coding change: c.551G>A on transcript NM_001100.4 (MANE Select); coding-DNA position 551, G replaced by A.
Protein change: p.Gly184Asp; replaces glycine 184 with aspartic acid.
Molecular consequence: missense variant.
Genome position (GRCh38, 1-based): chr1:229,432,335, C>T on the plus strand (G>A on the coding strand, the complement: ACTA1 is on the minus strand). VCF-style: chr1-229432335-C-T. GRCh37 (hg19) VCF-style: chr1-229568082-C-T.
Other names: short protein forms G184D.
Identifiers: ClinVar variation 1704132 (VCV001704132.2), dbSNP rs2527437872, ClinGen allele CA345148301.